The following is an entry in ClinVar:

NM_006509.4(RELB):c.1316C>T (p.Pro439Leu)

Gene: RELB (RELB proto-oncogene, NF-kB subunit; plus strand). Cytogenetic location: 19q13.32.
Variant type: single nucleotide variant.
Coding change: c.1316C>T on transcript NM_006509.4 (MANE Select); coding-DNA position 1316, C replaced by T.
Protein change: p.Pro439Leu; replaces proline 439 with leucine.
Molecular consequence: missense variant.
Genome position (GRCh38, 1-based): chr19:45,034,490, C>T. VCF-style: chr19-45034490-C-T. GRCh37 (hg19) VCF-style: chr19-45537748-C-T.
Other names: c.1307C>T, p.Pro436Leu (NM_001411087.1); short protein forms P436L, P439L.
Identifiers: ClinVar variation 3609662 (VCV003609662.2).
Genomic context (GRCh38, chr19:45,034,490, plus strand): 5'-CTCATCTCTGCCTTCCCTCAGACCCCCATGGCATCGAGAGCAAACGGCGGAAGAAAAAGC[C>T]GGCCATCCTGGACCACTTCCTGCCCAACCACGGCTCAGGTGGGTCCCAGCTACACATAAG-3'
Protein context (NP_006500.2, residues 429-449): GIESKRRKKK[Pro439Leu]AILDHFLPNH

ClinVar aggregate classification (germline): Uncertain significance (1 of 4 stars; one submission).

gnomAD v4.1: 8 of 1,610,266 alleles (0.0005%); highest among the groups gnomAD compares: Admixed American, 0.0017%; no homozygotes.

Submission:

Labcorp Genetics (formerly Invitae), Labcorp
Classification: Uncertain significance. Last evaluated: 2025-03-05. Review status: criteria provided, single submitter. Criteria: Invitae Variant Classification Sherloc (09022015). Collection method: clinical testing. Allele origin: germline.
Comment: This sequence change replaces proline, which is neutral and non-polar, with leucine, which is neutral and non-polar, at codon 439 of the RELB protein (p.Pro439Leu). The frequency data for this variant in the population databases is considered unreliable, as metrics indicate poor data quality at this position in the gnomAD database. This variant has not been reported in the literature in individuals affected with RELB-related conditions. An algorithm developed to predict the effect of missense changes on protein structure and function outputs the following: PolyPhen-2: "Benign". The leucine amino acid residue is found in multiple mammalian species, which suggests that this missense change does not adversely affect protein function. In summary, the available evidence is currently insufficient to determine the role of this variant in disease. Therefore, it has been classified as a Variant of Uncertain Significance.